The following is an entry in ClinVar:

ClinVar aggregate classification (germline): Pathogenic. Review status: criteria provided, multiple submitters, no conflicts (2 of 4 stars). 3 submissions from 3 submitters: Pathogenic (2). 1 of the submissions does not count toward it. Last evaluated 2025-04-28.

Conditions:
Familial thoracic aortic aneurysm and aortic dissection (TAAD). Also called: Thoracic aortic aneurysms and dissections. Identifiers: Orphanet 91387, MedGen C4707243, MONDO:0019625.
Marfan syndrome (MFS). Also called: Marfan syndrome type 1; Marfan syndrome, classic; Marfan's syndrome; FBN1-Related Marfan Syndrome; MARFAN SYNDROME, TYPE I. Identifiers: Orphanet 284963, Orphanet 558, MedGen C0024796, MONDO:0007947, OMIM 154700.

Submissions (3):

Labcorp Genetics (formerly Invitae), Labcorp
Classification: Pathogenic for Marfan syndrome; Familial thoracic aortic aneurysm and aortic dissection. Last evaluated: 2025-04-28. Review status: criteria provided, single submitter. Criteria: Invitae Variant Classification Sherloc (09022015). Collection method: clinical testing. Allele origin: germline.
Comment: This sequence change replaces cysteine, which is neutral and slightly polar, with arginine, which is basic and polar, at codon 611 of the FBN1 protein (p.Cys611Arg). This variant is not present in population databases (gnomAD no frequency). This missense change has been observed in individuals with Marfan syndrome (PMID: 21542060; internal data). ClinVar contains an entry for this variant (Variation ID: 549049). Invitae Evidence Modeling of protein sequence and biophysical properties (such as structural, functional, and spatial information, amino acid conservation, physicochemical variation, residue mobility, and thermodynamic stability) indicates that this missense variant is expected to disrupt FBN1 protein function with a positive predictive value of 95%. This variant affects a cysteine residue in the EGF-like, TGFBP or hybrid motif domains of FBN1. Cysteine residues are believed to be involved in intramolecular disulfide bridges and have been shown to be important for FBN1 protein structure (PMID: 16905551, 19349279). In addition, missense substitutions affecting cysteine residues within these domains are significantly overrepresented among patients with Marfan syndrome (PMID: 16571647, 17701892). This variant disrupts the p.Cys611 amino acid residue in FBN1. Other variant(s) that disrupt this residue have been observed in individuals with FBN1-related conditions (PMID: 31830381), which suggests that this may be a clinically significant amino acid residue. For these reasons, this variant has been classified as Pathogenic.

Centre of Medical Genetics, University of Antwerp
Classification: Pathogenic for Marfan syndrome. Last evaluated: 2021-03-01. Review status: criteria provided, single submitter. Criteria: Submitter's publication. Collection method: research. Allele origin: unknown. Affected: yes.
Comment: PM2, PVS2, PP4

Center for Medical Genetics Ghent, University of Ghent
Classification: Likely pathogenic for Marfan syndrome. Last evaluated: 2017-11-07. Review status: no assertion criteria provided. Collection method: clinical testing. Allele origin: germline. Affected: yes. Not counted in ClinVar's aggregate classification.

Literature cited by the submitters: PubMed 21542060 (cited by Labcorp Genetics (formerly Invitae), Labcorp); PubMed 16905551 (cited by Labcorp Genetics (formerly Invitae), Labcorp); PubMed 19349279 (cited by Labcorp Genetics (formerly Invitae), Labcorp); PubMed 16571647 (cited by Labcorp Genetics (formerly Invitae), Labcorp); PubMed 17701892 (cited by Labcorp Genetics (formerly Invitae), Labcorp); PubMed 31830381 (cited by Labcorp Genetics (formerly Invitae), Labcorp).

NM_000138.5(FBN1):c.1831T>C (p.Cys611Arg)

Gene: FBN1 (fibrillin 1; minus strand). Cytogenetic location: 15q21.1.
Variant type: single nucleotide variant.
Coding change: c.1831T>C on transcript NM_000138.5 (MANE Select); coding-DNA position 1831, T replaced by C.
Protein change: p.Cys611Arg; replaces cysteine 611 with arginine.
Molecular consequence: missense variant.
Genome position (GRCh38, 1-based): chr15:48,508,588, A>G on the plus strand (T>C on the coding strand, the complement: FBN1 is on the minus strand). VCF-style: chr15-48508588-A-G. GRCh37 (hg19) VCF-style: chr15-48800785-A-G.
Other names: short protein forms C611R.
Identifiers: ClinVar variation 549049 (VCV000549049.22), dbSNP rs1555399944, ClinGen allele CA392340169.